The following is an entry in ClinVar:

NM_005005.3(NDUFB9):c.102-46C>T

Gene: NDUFB9 (NADH:ubiquinone oxidoreductase subunit B9; plus strand). Cytogenetic location: 8q24.13.
Variant type: single nucleotide variant.
Coding change: c.102-46C>T on transcript NM_005005.3 (MANE Select); 46 bases into the intron before coding-DNA position 102, C replaced by T.
Molecular consequence: intron variant.
Genome position (GRCh38, 1-based): chr8:124,543,041, C>T. VCF-style: chr8-124543041-C-T. GRCh37 (hg19) VCF-style: chr8-125555282-C-T.
Other names: c.-26-48C>T (NM_001278646.2); c.102-79C>T (NM_001311168.2); c.-32-81C>T (NM_001278645.2).
Identifiers: ClinVar variation 671560 (VCV000671560.2), dbSNP rs72714706, ClinGen allele CA4871464.
Genomic context (GRCh38, chr8:124,543,041, plus strand): 5'-CCACTGCCCATCCAGAAGGTATCAGAAGTGCAGCCTCCTGTCAGACAGCAACACTGACCA[C>T]GTGAGTAGGTAACATTTCTAATCTTCAAAATCATTTTGGTTTAAGAGACAAATACCGATA-3'

ClinVar aggregate classification (germline): Benign. Review status: criteria provided, multiple submitters, no conflicts (2 of 4 stars). 2 submissions from 2 submitters: Benign (2). Last evaluated 2018-06-14.

Allele frequency attached by ClinVar (database versions not stated): ESP Exome Variant Server 0.06159; TOPMed 0.06634; gnomAD 0.06638 and 0.07541; gnomAD exomes 0.06734 and 0.09577; ExAC 0.09939; 1000 Genomes Project 30x 0.13710; 1000 Genomes Project 0.14437.
gnomAD v4.1: 109,439 of 1,595,102 alleles (6.9%); highest among the groups gnomAD compares: South Asian, 28%; 6,910 homozygotes.

Submissions (2):

GeneDx
Classification: Benign. Last evaluated: 2018-06-14. Review status: criteria provided, single submitter. Criteria: GeneDx Variant Classification (06012015). Collection method: clinical testing. Allele origin: germline. Affected: yes.
Comment: This variant is considered likely benign or benign based on one or more of the following criteria: it is a conservative change, it occurs at a poorly conserved position in the protein, it is predicted to be benign by multiple in silico algorithms, and/or has population frequency not consistent with disease.

Breakthrough Genomics
Classification: Benign. Review status: criteria provided, single submitter. Criteria: ACMG Guidelines, 2015. Collection method: not provided. Allele origin: germline. Inheritance: Autosomal recessive inheritance. Affected: yes.